The following is an entry in ClinVar:

ClinVar aggregate classification (germline): Uncertain significance (1 of 4 stars; one submission).

Conditions:
DNA ligase IV deficiency. Identifiers: Orphanet 99812, MedGen C1847827, MONDO:0011686, OMIM 606593.

Allele frequency attached by ClinVar (database versions not stated): gnomAD exomes below 0.00001; ExAC 0.00001; gnomAD 0.00001; TOPMed 0.00001; ESP Exome Variant Server 0.00008.
gnomAD v4.1: 5 of 1,614,000 alleles (0.00031%); highest among the groups gnomAD compares: Non-Finnish European, 0.00042%; no homozygotes.

Submission:

Labcorp Genetics (formerly Invitae), Labcorp
Classification: Uncertain significance for DNA ligase IV deficiency. Last evaluated: 2021-05-09. Review status: criteria provided, single submitter. Criteria: Invitae Variant Classification Sherloc (09022015). Collection method: clinical testing. Allele origin: germline.
Comment: This sequence change replaces histidine with arginine at codon 501 of the LIG4 protein (p.His501Arg). The histidine residue is moderately conserved and there is a small physicochemical difference between histidine and arginine. This variant is present in population databases (rs370368065, ExAC 0.001%). This variant has not been reported in the literature in individuals with LIG4-related conditions. Algorithms developed to predict the effect of missense changes on protein structure and function (SIFT, PolyPhen-2, Align-GVGD) all suggest that this variant is likely to be tolerated, but these predictions have not been confirmed by published functional studies and their clinical significance is uncertain. In summary, the available evidence is currently insufficient to determine the role of this variant in disease. Therefore, it has been classified as a Variant of Uncertain Significance.

NM_206937.2(LIG4):c.1502A>G (p.His501Arg)

Gene: LIG4 (DNA ligase 4; minus strand). Cytogenetic location: 13q33.3.
Variant type: single nucleotide variant.
Coding change: c.1502A>G on transcript NM_206937.2 (MANE Select); coding-DNA position 1502, A replaced by G.
Protein change: p.His501Arg; replaces histidine 501 with arginine.
Molecular consequence: missense variant.
Genome position (GRCh38, 1-based): chr13:108,209,767, T>C on the plus strand (A>G on the coding strand, the complement: LIG4 is on the minus strand). VCF-style: chr13-108209767-T-C. GRCh37 (hg19) VCF-style: chr13-108862115-T-C.
Other names: c.1502A>G, p.His501Arg (NM_001098268.2, NM_001352598.2, NM_001352599.2 and 6 more transcripts); c.1301A>G, p.His434Arg (NM_001330595.2); c.1538A>G, p.His513Arg (NM_001352604.2); short protein forms H434R, H513R, H501R.
Identifiers: ClinVar variation 1508952 (VCV001508952.8), dbSNP rs370368065, ClinGen allele CA7043678.